The following is an entry in ClinVar:

NM_007194.4(CHEK2):c.1493T>G (p.Leu498Arg)

Gene: CHEK2 (checkpoint kinase 2; minus strand). Cytogenetic location: 22q12.1.
Variant type: single nucleotide variant.
Coding change: c.1493T>G on transcript NM_007194.4 (MANE Select); coding-DNA position 1493, T replaced by G.
Protein change: p.Leu498Arg; replaces leucine 498 with arginine.
Molecular consequence: missense variant.
Genome position (GRCh38, 1-based): chr22:28,689,184, A>C on the plus strand (T>G on the coding strand, the complement: CHEK2 is on the minus strand). VCF-style: chr22-28689184-A-C. GRCh37 (hg19) VCF-style: chr22-29085172-A-C.
Other names: c.1622T>G, p.Leu541Arg (NM_001005735.3); c.830T>G, p.Leu277Arg (NM_001257387.3, NM_001437942.1); c.1292T>G, p.Leu431Arg (NM_001349956.3); c.1586T>G, p.Leu529Arg (NM_001438293.1); c.1535T>G, p.Leu512Arg (NM_001438294.1); c.1499T>G, p.Leu500Arg (NM_001438295.1); c.1406T>G, p.Leu469Arg (NM_145862.3); short protein forms L498R, L277R, L431R, L469R, L500R, L541R, L512R, L529R.
Identifiers: ClinVar variation 4843223 (VCV004843223.1).

ClinVar aggregate classification (germline): Uncertain significance (1 of 4 stars; one submission).

Conditions:
Hereditary cancer-predisposing syndrome. Also called: Neoplastic Syndromes, Hereditary; Tumor predisposition; Hereditary Cancer Syndrome; Hereditary neoplastic syndrome. Identifiers: Orphanet 140162, MedGen C0027672, MeSH D009386, MONDO:0015356.

Submission:

Ambry Genetics
Classification: Uncertain significance for Hereditary cancer-predisposing syndrome. Last evaluated: 2025-12-22. Review status: criteria provided, single submitter. Criteria: Ambry Variant Classification Scheme 2023. Collection method: clinical testing. Allele origin: germline.
Comment: The p.L498R variant (also known as c.1493T>G), located in coding exon 13 of the CHEK2 gene, results from a T to G substitution at nucleotide position 1493. The leucine at codon 498 is replaced by arginine, an amino acid with dissimilar properties. This amino acid position is conserved. In addition, the in silico prediction for this alteration is inconclusive. Based on the available evidence, the clinical significance of this variant remains unclear.